The following is an entry in ClinVar:

ClinVar aggregate classification (germline): Uncertain significance (1 of 4 stars; one submission).

Conditions:
Developmental and epileptic encephalopathy, 42 (DEE42A). Also called: DEVELOPMENTAL AND EPILEPTIC ENCEPHALOPATHY 42A; EPILEPTIC ENCEPHALOPATHY, EARLY INFANTILE, 42A; Epileptic encephalopathy, early infantile, 42. Identifiers: MedGen C4310716, MONDO:0014917, OMIM 617106.
Episodic ataxia type 2 (EA2). Also called: ACETAZOLAMIDE-RESPONSIVE HEREDITARY PAROXYSMAL CEREBELLAR ATAXIA; EPISODIC ATAXIA, NYSTAGMUS-ASSOCIATED; ATAXIA, EPISODIC, WITH NYSTAGMUS; ATAXIA, FAMILIAL PAROXYSMAL; CEREBELLAR ATAXIA, PAROXYSMAL, ACETAZOLAMIDE-RESPONSIVE; CEREBELLOPATHY, HEREDITARY PAROXYSMAL. Identifiers: Orphanet 97, MedGen C1720416, MONDO:0007163, OMIM 108500.

Allele frequency attached by ClinVar (database versions not stated): TOPMed below 0.00001; gnomAD exomes below 0.00001.
gnomAD v4.1: 6 of 1,601,192 alleles (0.00037%); highest among the groups gnomAD compares: South Asian, 0.0011%; no homozygotes.

Submission:

Labcorp Genetics (formerly Invitae), Labcorp
Classification: Uncertain significance for Developmental and epileptic encephalopathy, 42; Episodic ataxia type 2. Last evaluated: 2023-08-07. Review status: criteria provided, single submitter. Criteria: Invitae Variant Classification Sherloc (09022015). Collection method: clinical testing. Allele origin: germline.
Comment: In summary, the available evidence is currently insufficient to determine the role of this variant in disease. Therefore, it has been classified as a Variant of Uncertain Significance. Advanced modeling of protein sequence and biophysical properties (such as structural, functional, and spatial information, amino acid conservation, physicochemical variation, residue mobility, and thermodynamic stability) performed at Invitae indicates that this missense variant is not expected to disrupt CACNA1A protein function. ClinVar contains an entry for this variant (Variation ID: 1025900). This variant has not been reported in the literature in individuals affected with CACNA1A-related conditions. This variant is not present in population databases (gnomAD no frequency). This sequence change replaces arginine, which is basic and polar, with glutamine, which is neutral and polar, at codon 1857 of the CACNA1A protein (p.Arg1857Gln).

NM_001127221.2(CACNA1A):c.5570G>A (p.Arg1857Gln)

Gene: CACNA1A (calcium voltage-gated channel subunit alpha1 A; minus strand). Cytogenetic location: 19p13.13.
Variant type: single nucleotide variant.
Coding change: c.5570G>A on transcript NM_001127221.2 (MANE Plus Clinical); coding-DNA position 5570, G replaced by A.
Protein change: p.Arg1857Gln; replaces arginine 1857 with glutamine.
Molecular consequence: missense variant. On other transcripts: intron variant (4).
Genome position (GRCh38, 1-based): chr19:13,228,757, C>T on the plus strand (G>A on the coding strand, the complement: CACNA1A is on the minus strand). VCF-style: chr19-13228757-C-T. GRCh37 (hg19) VCF-style: chr19-13339571-C-T.
Other names: c.5529-1230G>A (NM_001127222.2); c.5538-1230G>A (NM_001174080.2); c.5547-1230G>A (NM_000068.4, NM_023035.3); short protein forms R1857Q.
Identifiers: ClinVar variation 1025900 (VCV001025900.9), dbSNP rs1246077018, ClinGen allele CA404331533.